The following is an entry in ClinVar:

ClinVar aggregate classification (germline): Conflicting classifications of pathogenicity. Review status: criteria provided, conflicting classifications (1 of 4 stars). 8 submissions from 8 submitters: Pathogenic (1); Likely pathogenic (5); Uncertain significance (1). 1 of the submissions does not count toward it. Last evaluated 2025-10-02.

Conditions:
ABHD14A-ACY1 & ACY1-related disorders.
Inborn genetic diseases. Identifiers: MedGen C0950123, MeSH D030342.
Aminoacylase 1 deficiency. Also called: Neurological conditions associated with aminoacylase 1 deficiency. Identifiers: Orphanet 137754, MedGen C1835922, MONDO:0012368, OMIM 609924.

Allele frequency attached by ClinVar (database versions not stated): gnomAD 0.00002 and 0.00003; TOPMed 0.00006; ExAC 0.00008; gnomAD exomes 0.00010.
gnomAD v4.1: 70 of 1,614,012 alleles (0.0043%); highest among the groups gnomAD compares: Middle Eastern, 0.066%; no homozygotes.

Submissions (8):

Labcorp Genetics (formerly Invitae), Labcorp
Classification: Uncertain significance. Last evaluated: 2025-10-02. Review status: criteria provided, single submitter. Criteria: Invitae Variant Classification Sherloc (09022015). Collection method: clinical testing. Allele origin: germline.
Comment: This sequence change replaces glutamic acid, which is acidic and polar, with aspartic acid, which is acidic and polar, at codon 233 of the ACY1 protein (p.Glu233Asp). This variant is present in population databases (rs121912699, gnomAD 0.02%). This missense change has been observed in individual(s) with ACY1-related conditions (PMID: 16465618, 24997716, 38536866). ClinVar contains an entry for this variant (Variation ID: 18111). Invitae Evidence Modeling of protein sequence and biophysical properties (such as structural, functional, and spatial information, amino acid conservation, physicochemical variation, residue mobility, and thermodynamic stability) has been performed for this missense variant. However, the output from this modeling did not meet the statistical confidence thresholds required to predict the impact of this variant on ACY1 protein function. Experimental studies have shown that this missense change affects ACY1 function (PMID: 21414403). In summary, the available evidence is currently insufficient to determine the role of this variant in disease. Therefore, it has been classified as a Variant of Uncertain Significance.

CeGaT Center for Human Genetics Tuebingen
Classification: Likely pathogenic. Last evaluated: 2025-02-01. Review status: criteria provided, single submitter. Criteria: CeGaT Center For Human Genetics Tuebingen Variant Classification Criteria Version 2. Collection method: clinical testing. Allele origin: germline. Affected: yes. Observed: 1 variant allele.
Comment: ACY1: PM3:Strong, PM2, PS3:Supporting, BP4

Blueprint Genetics
Classification: Likely pathogenic for ABHD14A-ACY1 & ACY1-related disorders. Last evaluated: 2023-11-29. Review status: criteria provided, single submitter. Criteria: ACMG Guidelines, 2015. Collection method: clinical testing. Allele origin: germline. Affected: yes. Observed: 5 variant alleles.

Department of Pathology and Laboratory Medicine, Sinai Health System
Classification: Likely pathogenic for aminoacylase 1 deficiency. Last evaluated: 2023-03-16. Review status: criteria provided, single submitter. Criteria: ACMG Guidelines, 2015. Collection method: research. Allele origin: germline.

Ambry Genetics
Classification: Likely pathogenic for Inborn genetic diseases. Last evaluated: 2022-09-19. Review status: criteria provided, single submitter. Criteria: Ambry Variant Classification Scheme 2023. Collection method: clinical testing. Allele origin: germline.
Comment: The c.699A>C (p.E233D) alteration is located in exon 10 (coding exon 9) of the ACY1 gene. This alteration results from a A to C substitution at nucleotide position 699, causing the glutamic acid (E) at amino acid position 233 to be replaced by an aspartic acid (D). Based on data from gnomAD, the C allele has an overall frequency of 0.01% (24/251438) total alleles studied. The highest observed frequency was 0.018% (21/113738) of European (non-Finnish) alleles. This variant has been detected in conjunction with a second ACY1 variant in multiple individuals with Aminoacylase I deficiency (Sass, 2006; Alessandr&igrave;, 2014; Alessandr&igrave;, 2018). This amino acid position is highly conserved in available vertebrate species. Functional studies indicate this alteration impairs aminoacylase enzyme activity (Sommer, 2011). The in silico prediction for this alteration is inconclusive. Based on the available evidence, this alteration is classified as likely pathogenic.

Fulgent Genetics
Classification: Likely pathogenic for Aminoacylase 1 deficiency. Last evaluated: 2021-10-01. Review status: criteria provided, single submitter. Criteria: ACMG Guidelines, 2015. Collection method: clinical testing. Allele origin: unknown.

Genomic Research Center, Shahid Beheshti University of Medical Sciences
Classification: Pathogenic. Last evaluated: 2020-05-03. Review status: criteria provided, single submitter. Criteria: ACMG Guidelines, 2015. Collection method: clinical testing. Allele origin: unknown. Affected: no.

OMIM
Classification: Pathogenic for AMINOACYLASE 1 DEFICIENCY. Last evaluated: 2006-03-01. Review status: no assertion criteria provided. Collection method: literature only. Allele origin: germline. Not counted in ClinVar's aggregate classification.

Literature cited by the submitters: PubMed 16465618 (cited by 3 submitters); PubMed 24997716 (cited by Labcorp Genetics (formerly Invitae), Labcorp and Ambry Genetics); PubMed 38536866 (cited by Labcorp Genetics (formerly Invitae), Labcorp); PubMed 21414403 (cited by Labcorp Genetics (formerly Invitae), Labcorp and Ambry Genetics); PubMed 29653693 (cited by Ambry Genetics).

NM_000666.3(ACY1):c.699A>C (p.Glu233Asp)

Genes: ABHD14A-ACY1 (ABHD14A-ACY1 readthrough; plus strand), ACY1 (aminoacylase 1; plus strand). Cytogenetic location: 3p21.2.
Variant type: single nucleotide variant.
Coding change: c.699A>C on transcript NM_000666.3 (MANE Select); coding-DNA position 699, A replaced by C.
Protein change: p.Glu233Asp; replaces glutamic acid 233 with aspartic acid.
Molecular consequence: missense variant. On other transcripts: intron variant (1).
Genome position (GRCh38, 1-based): chr3:51,987,188, A>C. VCF-style: chr3-51987188-A-C. GRCh37 (hg19) VCF-style: chr3-52021204-A-C.
Other names: c.699A>C (NM_000666.2); c.969A>C, p.Glu323Asp (NM_001316331.2); c.699A>C, p.Glu233Asp (NM_001198895.2); c.483A>C, p.Glu161Asp (NM_001198896.2); c.594A>C, p.Glu198Asp (NM_001198898.2); c.657+127A>C (NM_001198897.2); short protein forms E233D, E198D, E323D, E161D.
Identifiers: ClinVar variation 18111 (VCV000018111.23), dbSNP rs121912699, ClinGen allele CA127827.